The following is an entry in ClinVar:

ClinVar aggregate classification (germline): Uncertain significance. Review status: criteria provided, single submitter (1 of 4 stars). 2 submissions from 2 submitters: Uncertain significance (1). 1 of the submissions does not count toward it. Last evaluated 2022-03-11.

Conditions:
Retinitis pigmentosa 25 (RP25). Identifiers: Orphanet 791, MedGen C1864446, MONDO:0011272, OMIM 602772.

Allele frequency attached by ClinVar (database versions not stated): gnomAD exomes below 0.00001 and 0.00001.
gnomAD v4.1: 1 of 1,505,712 alleles (0.000066%); highest among the groups gnomAD compares: Admixed American, 0.0021%; no homozygotes.

Submissions (2):

Labcorp Genetics (formerly Invitae), Labcorp
Classification: Uncertain significance. Last evaluated: 2022-03-11. Review status: criteria provided, single submitter. Criteria: Invitae Variant Classification Sherloc (09022015). Collection method: clinical testing. Allele origin: germline.
Comment: This sequence change replaces glutamic acid, which is acidic and polar, with alanine, which is neutral and non-polar, at codon 808 of the EYS protein (p.Glu808Ala). This variant is present in population databases (no rsID available, gnomAD 0.005%). This variant has not been reported in the literature in individuals affected with EYS-related conditions. ClinVar contains an entry for this variant (Variation ID: 1023777). Algorithms developed to predict the effect of missense changes on protein structure and function (SIFT, PolyPhen-2, Align-GVGD) all suggest that this variant is likely to be disruptive. In summary, the available evidence is currently insufficient to determine the role of this variant in disease. Therefore, it has been classified as a Variant of Uncertain Significance.

Natera, Inc.
Classification: Uncertain significance for Retinitis pigmentosa type 25. Last evaluated: 2020-07-15. Review status: no assertion criteria provided. Collection method: clinical testing. Allele origin: germline. Not counted in ClinVar's aggregate classification.

NM_001142800.2(EYS):c.2423A>C (p.Glu808Ala)

Gene: EYS (eyes shut homolog; minus strand). Cytogenetic location: 6q12.
Variant type: single nucleotide variant.
Coding change: c.2423A>C on transcript NM_001142800.2 (MANE Select); coding-DNA position 2423, A replaced by C.
Protein change: p.Glu808Ala; replaces glutamic acid 808 with alanine.
Molecular consequence: missense variant.
Genome position (GRCh38, 1-based): chr6:64,912,702, T>G on the plus strand (A>C on the coding strand, the complement: EYS is on the minus strand). VCF-style: chr6-64912702-T-G. GRCh37 (hg19) VCF-style: chr6-65622595-T-G.
Other names: c.2423A>C, p.Glu808Ala (NM_001292009.2); short protein forms E808A.
Identifiers: ClinVar variation 1023777 (VCV001023777.8), dbSNP rs1329809440, ClinGen allele CA364786558.